The following is an entry in ClinVar:

NM_001195263.2(PDZD7):c.493C>T (p.Arg165Cys)

Gene: PDZD7 (PDZ domain containing 7; minus strand). Cytogenetic location: 10q24.31.
Variant type: single nucleotide variant.
Coding change: c.493C>T on transcript NM_001195263.2 (MANE Select); coding-DNA position 493, C replaced by T.
Protein change: p.Arg165Cys; replaces arginine 165 with cysteine.
Molecular consequence: missense variant.
Genome position (GRCh38, 1-based): chr10:101,023,485, G>A on the plus strand (C>T on the coding strand, the complement: PDZD7 is on the minus strand). VCF-style: chr10-101023485-G-A. GRCh37 (hg19) VCF-style: chr10-102783242-G-A.
Other names: c.493C>T, p.Arg165Cys (NM_001351044.2, NM_024895.5); c.493C>T (NM_001195263.1); short protein forms R165C.
Identifiers: ClinVar variation 1041342 (VCV001041342.7), dbSNP rs756993862, ClinGen allele CA5654370.
Genomic context (GRCh38, chr10:101,023,485, plus strand): 5'-TTGCTGCTCACCACGTGGTCTTCTCCTTGGAGAACTTGATGCCCGGCACACGGCCCATGC[G>A]CCGAACCATCATGTGCAGGCGGCTGCTGCTGGTCAGCACCTTTACGGCGCTACCCATGGT-3'
Protein context (NP_001182192.1, residues 155-175): SSSRLHMMVR[Arg165Cys]MGRVPGIKFS

ClinVar aggregate classification (germline): Conflicting classifications of pathogenicity. Review status: criteria provided, conflicting classifications (1 of 4 stars). 2 submissions from 2 submitters: Likely pathogenic (1); Uncertain significance (1). Last evaluated 2025-06-29.

Allele frequency attached by ClinVar (database versions not stated): ExAC 0.00002; gnomAD exomes 0.00002 and 0.00003; gnomAD 0.00005; TOPMed 0.00006.

Submissions (2):

GeneDx
Classification: Likely pathogenic. Last evaluated: 2025-06-29. Review status: criteria provided, single submitter. Criteria: GeneDx Variant Classification Process June 2021. Collection method: clinical testing. Allele origin: germline. Affected: yes.
Comment: Not observed at significant frequency in large population cohorts (gnomAD); In silico analysis supports that this missense variant has a deleterious effect on protein structure/function; Has not been previously published as pathogenic or benign to our knowledge

Labcorp Genetics (formerly Invitae), Labcorp
Classification: Uncertain significance. Last evaluated: 2020-03-03. Review status: criteria provided, single submitter. Criteria: Invitae Variant Classification Sherloc (09022015). Collection method: clinical testing. Allele origin: germline.
Comment: In summary, the available evidence is currently insufficient to determine the role of this variant in disease. Therefore, it has been classified as a Variant of Uncertain Significance. Algorithms developed to predict the effect of sequence changes on RNA splicing suggest that this variant may create or strengthen a splice site, but this prediction has not been confirmed by published transcriptional studies. Algorithms developed to predict the effect of missense changes on protein structure and function are either unavailable or do not agree on the potential impact of this missense change (SIFT: "Deleterious"; PolyPhen-2: "Not Available"; Align-GVGD: "Class C65"). This variant has not been reported in the literature in individuals with PDZD7-related conditions. This variant is present in population databases (rs756993862, ExAC 0.006%). This sequence change replaces arginine with cysteine at codon 165 of the PDZD7 protein (p.Arg165Cys). The arginine residue is highly conserved and there is a large physicochemical difference between arginine and cysteine.